The following is an entry in ClinVar:

ClinVar aggregate classification (germline): Likely benign. Review status: reviewed by expert panel (3 of 4 stars). 3 submissions from 3 submitters: Likely benign (1). 2 of the submissions do not count toward it. Last evaluated 2022-10-07.

Conditions:
Arginine:glycine amidinotransferase deficiency (CCDS3). Also called: L-Arginine:Glycine Amidinotransferase (AGAT) Deficiency; Cerebral creatine deficiency syndrome 3; AGAT deficiency; L-Arginine:Glycine Amidinotransferase Deficiency; Creatine deficiency syndrome due to AGAT deficiency; GATM deficiency. Identifiers: Orphanet 35704, MedGen C2675179, MONDO:0012996, OMIM 612718.

Submissions (3):

ClinGen Cerebral Creatine Deficiency Syndromes Variant Curation Expert Panel, ClinGen
Classification: Likely benign for Arginine:glycine amidinotransferase deficiency. Last evaluated: 2022-10-07. Review status: reviewed by expert panel. Criteria: ClinGen_CCDS_ACMG_Specifications_GATM_v1.1. Collection method: curation. Allele origin: germline. Inheritance: Autosomal recessive inheritance.
Comment: The NM_001482.3:c.1227C>T (p.Thr409=) variant in GATM is a synonymous (silent) variant that is not predicted by SpliceAI to impact splicing. In addition, it occurs at a nucleotide that is not highly conserved as shown by PhyloP (BP7). This variant is absent in gnomAD v2.1.1 (PM2_Supporting). The computational splicing predictor SpliceAI gives a score of 0.0 for donor and acceptor loss suggesting that the variant has no impact on splicing (BP4). There is a ClinVar entry for this variant (Variation ID: 510409). Although this variant is rare (meeting PM2_Supporting), it has been classified as likely benign by the ClinGen Creatine Deficiency Syndromes (CCDS) Variant Curation Expert Panel (VCEP) based on the recommendation of Richards et al (PMID: 25741868) because it is a synonymous variant, the altered nucleotide is not highly conserved, computational prediction suggests no impact on splicing, and there is no additional evidence to suggest that the variant is disease-causing. GATM-specific ACMG/AMP criteria applied, as specified by the CCDS VCEP (Specifications Version 1.1.0): PM2_Supporting, BP4, BP7. (Classification approved by the ClinGen CCDS VCEP on June 6, 2022).

Labcorp Genetics (formerly Invitae), Labcorp
Classification: Likely benign for Arginine:glycine amidinotransferase deficiency. Last evaluated: 2024-04-29. Review status: criteria provided, single submitter. Criteria: Invitae Variant Classification Sherloc (09022015). Collection method: clinical testing. Allele origin: germline. Not counted in ClinVar's aggregate classification.

GeneDx
Classification: Likely benign. Last evaluated: 2017-06-22. Review status: criteria provided, single submitter. Criteria: GeneDx Variant Classification (06012015). Collection method: clinical testing. Allele origin: germline. Affected: yes. Not counted in ClinVar's aggregate classification.
Comment: This variant is considered likely benign or benign based on one or more of the following criteria: it is a conservative change, it occurs at a poorly conserved position in the protein, it is predicted to be benign by multiple in silico algorithms, and/or has population frequency not consistent with disease.

NM_001482.3(GATM):c.1227C>T (p.Thr409=)

Gene: GATM (glycine amidinotransferase; minus strand). Cytogenetic location: 15q21.1.
Variant type: single nucleotide variant.
Coding change: c.1227C>T on transcript NM_001482.3 (MANE Select); coding-DNA position 1227, C replaced by T.
Protein change: p.Thr409=; no amino-acid change (threonine 409 retained).
Molecular consequence: synonymous variant.
Genome position (GRCh38, 1-based): chr15:45,362,154, G>A on the plus strand (C>T on the coding strand, the complement: GATM is on the minus strand). VCF-style: chr15-45362154-G-A. GRCh37 (hg19) VCF-style: chr15-45654352-G-A.
Other names: NM_001482.3(GATM):c.1227C>T; p.Thr409=; c.840C>T, p.Thr280= (NM_001321015.2).
Identifiers: ClinVar variation 510409 (VCV000510409.6), dbSNP rs1555383902, ClinGen allele CA490234727.
Genomic context (GRCh38, chr15:45,362,154, plus strand): 5'-CTCCATCAGGCCTGTTCAGTCCAAGTAGGACTGTAAGGTGCCTCGGCGCCGGACATCGCA[G>A]GTCCAGCAATGGAAGCCTCCTCCCAGGGAATTGGCATTACGAATGTTAACTTTAATGGTA-3'
Protein context (NP_001473.1, residues 399-419): NSLGGGFHCW[Thr409=]CDVRRRGTLQ